The following is an entry in ClinVar:

NM_016284.5(CNOT1):c.2419A>T (p.Arg807Trp)

Gene: CNOT1 (CCR4-NOT transcription complex subunit 1; minus strand). Cytogenetic location: 16q21.
Variant type: single nucleotide variant.
Coding change: c.2419A>T on transcript NM_016284.5 (MANE Select); coding-DNA position 2419, A replaced by T.
Protein change: p.Arg807Trp; replaces arginine 807 with tryptophan.
Molecular consequence: missense variant. On other transcripts: non-coding transcript variant (1).
Genome position (GRCh38, 1-based): chr16:58,556,907, T>A on the plus strand (A>T on the coding strand, the complement: CNOT1 is on the minus strand). VCF-style: chr16-58556907-T-A. GRCh37 (hg19) VCF-style: chr16-58590811-T-A.
Other names: c.2419A>T, p.Arg807Trp (NM_001265612.2, NM_206999.3); short protein forms R807W.
Identifiers: ClinVar variation 2019164 (VCV002019164.4), dbSNP rs758852729, ClinGen allele CA396130988.

ClinVar aggregate classification (germline): Uncertain significance (1 of 4 stars; one submission).

Submission:

Labcorp Genetics (formerly Invitae), Labcorp
Classification: Uncertain significance. Last evaluated: 2022-07-23. Review status: criteria provided, single submitter. Criteria: Invitae Variant Classification Sherloc (09022015). Collection method: clinical testing. Allele origin: germline.
Comment: This sequence change replaces arginine, which is basic and polar, with tryptophan, which is neutral and slightly polar, at codon 807 of the CNOT1 protein (p.Arg807Trp). This variant is not present in population databases (gnomAD no frequency). This variant has not been reported in the literature in individuals affected with CNOT1-related conditions. Algorithms developed to predict the effect of missense changes on protein structure and function are either unavailable or do not agree on the potential impact of this missense change (SIFT: "Deleterious"; PolyPhen-2: "Possibly Damaging"; Align-GVGD: "Class C0"). In summary, the available evidence is currently insufficient to determine the role of this variant in disease. Therefore, it has been classified as a Variant of Uncertain Significance.